The following is an entry in ClinVar:

NM_000088.4(COL1A1):c.2291G>C (p.Gly764Ala)

Gene: COL1A1 (collagen type I alpha 1 chain; minus strand). Cytogenetic location: 17q21.33.
Variant type: single nucleotide variant.
Coding change: c.2291G>C on transcript NM_000088.4 (MANE Select); coding-DNA position 2291, G replaced by C.
Protein change: p.Gly764Ala; replaces glycine 764 with alanine.
Molecular consequence: missense variant.
Genome position (GRCh38, 1-based): chr17:50,190,869, C>G on the plus strand (G>C on the coding strand, the complement: COL1A1 is on the minus strand). VCF-style: chr17-50190869-C-G. GRCh37 (hg19) VCF-style: chr17-48268230-C-G.
Other names: short protein forms G764A.
Identifiers: ClinVar variation 954420 (VCV000954420.10), dbSNP rs72651657, ClinGen allele CA400210193.

ClinVar aggregate classification (germline): Likely pathogenic (1 of 4 stars; one submission).

Conditions:
Osteogenesis imperfecta type I (OI1). Also called: OI, TYPE I; OSTEOGENESIS IMPERFECTA TARDA; OSTEOGENESIS IMPERFECTA WITH BLUE SCLERAE; Osteogenesis imperfecta type 1; Lobstein disease; Classic Non-deforming Osteogenesis Imperfecta with Blue Sclerae. Identifiers: Orphanet 216796, Orphanet 666, MedGen C0023931, MONDO:0008146, OMIM 166200. Disease mechanism: loss of function.

Submission:

Labcorp Genetics (formerly Invitae), Labcorp
Classification: Likely pathogenic for Osteogenesis imperfecta type I. Last evaluated: 2023-03-19. Review status: criteria provided, single submitter. Criteria: Invitae Variant Classification Sherloc (09022015). Collection method: clinical testing. Allele origin: germline.
Comment: This sequence change replaces glycine, which is neutral and non-polar, with alanine, which is neutral and non-polar, at codon 764 of the COL1A1 protein (p.Gly764Ala). This variant is not present in population databases (gnomAD no frequency). This variant has not been reported in the literature in individuals affected with COL1A1-related conditions. ClinVar contains an entry for this variant (Variation ID: 954420). Advanced modeling of protein sequence and biophysical properties (such as structural, functional, and spatial information, amino acid conservation, physicochemical variation, residue mobility, and thermodynamic stability) performed at Invitae indicates that this missense variant is expected to disrupt COL1A1 protein function. This variant disrupts the triple helix domain of COL1A1. Glycine residues within the Gly-Xaa-Yaa repeats of the triple helix domain are required for the structure and stability of fibrillar collagens (PMID: 7695699, 8218237, 19344236). In COL1A1, variants affecting these glycine residues are significantly enriched in individuals with disease (PMID: 9016532, 17078022) compared to the general population (ExAC). This variant disrupts the p.Gly764 amino acid residue in COL1A1. Other variant(s) that disrupt this residue have been observed in individuals with COL1A1-related conditions (PMID: 9143923, 21239989), which suggests that this may be a clinically significant amino acid residue. In summary, the currently available evidence indicates that the variant is pathogenic, but additional data are needed to prove that conclusively. Therefore, this variant has been classified as Likely Pathogenic.

Literature cited by the submitters: PubMed 7695699; PubMed 8218237; PubMed 19344236; PubMed 9016532; PubMed 17078022; PubMed 9143923; PubMed 21239989.